The following is an entry in ClinVar:

NM_004523.4(KIF11):c.2402C>G (p.Ser801Cys)

Gene: KIF11 (kinesin family member 11; plus strand). Cytogenetic location: 10q23.33.
Variant type: single nucleotide variant.
Coding change: c.2402C>G on transcript NM_004523.4 (MANE Select); coding-DNA position 2402, C replaced by G.
Protein change: p.Ser801Cys; replaces serine 801 with cysteine.
Molecular consequence: missense variant.
Genome position (GRCh38, 1-based): chr10:92,645,497, C>G. VCF-style: chr10-92645497-C-G. GRCh37 (hg19) VCF-style: chr10-94405254-C-G.
Other names: short protein forms S801C.
Identifiers: ClinVar variation 3655250 (VCV003655250.2).

ClinVar aggregate classification (germline): Uncertain significance (1 of 4 stars; one submission).

Submission:

Labcorp Genetics (formerly Invitae), Labcorp
Classification: Uncertain significance. Last evaluated: 2024-07-25. Review status: criteria provided, single submitter. Criteria: Invitae Variant Classification Sherloc (09022015). Collection method: clinical testing. Allele origin: germline.
Comment: This sequence change replaces serine, which is neutral and polar, with cysteine, which is neutral and slightly polar, at codon 801 of the KIF11 protein (p.Ser801Cys). This variant is not present in population databases (gnomAD no frequency). This variant has not been reported in the literature in individuals affected with KIF11-related conditions. Advanced modeling of protein sequence and biophysical properties (such as structural, functional, and spatial information, amino acid conservation, physicochemical variation, residue mobility, and thermodynamic stability) performed at Invitae indicates that this missense variant is not expected to disrupt KIF11 protein function with a negative predictive value of 80%. In summary, the available evidence is currently insufficient to determine the role of this variant in disease. Therefore, it has been classified as a Variant of Uncertain Significance.